The following is an entry in ClinVar:

NM_014141.6(CNTNAP2):c.2940C>T (p.Cys980=)

Genes: CNTNAP2 (contactin associated protein 2; plus strand), LOC126860216 (BRD4-independent group 4 enhancer GRCh37_chr7:147868766-147869965; plus strand). Cytogenetic location: 7q35.
Variant type: single nucleotide variant.
Coding change: c.2940C>T on transcript NM_014141.6 (MANE Select); coding-DNA position 2940, C replaced by T.
Protein change: p.Cys980=; no amino-acid change (cysteine 980 retained).
Molecular consequence: synonymous variant.
Genome position (GRCh38, 1-based): chr7:148,172,408, C>T. VCF-style: chr7-148172408-C-T. GRCh37 (hg19) VCF-style: chr7-147869500-C-T.
Identifiers: ClinVar variation 682318 (VCV000682318.9), dbSNP rs776617883, ClinGen allele CA4546504.

ClinVar aggregate classification (germline): Likely benign. Review status: criteria provided, multiple submitters, no conflicts (2 of 4 stars). 2 submissions from 2 submitters: Likely benign (2). Last evaluated 2026-01-17.

Conditions:
Cortical dysplasia-focal epilepsy syndrome (PTHSL1). Also called: Pitt-Hopkins-like syndrome 1. Identifiers: Orphanet 163681, Orphanet 221150, MedGen C2750246, MONDO:0012400, OMIM 610042.

Allele frequency attached by ClinVar (database versions not stated): gnomAD 0.00001; ExAC 0.00002; gnomAD exomes 0.00003; TOPMed 0.00005.
gnomAD v4.1: 49 of 1,613,980 alleles (0.003%); highest among the groups gnomAD compares: Non-Finnish European, 0.0037%; no homozygotes.

Submissions (2):

Labcorp Genetics (formerly Invitae), Labcorp
Classification: Likely benign for Cortical dysplasia-focal epilepsy syndrome. Last evaluated: 2026-01-17. Review status: criteria provided, single submitter. Criteria: Invitae Variant Classification Sherloc (09022015). Collection method: clinical testing. Allele origin: germline.

GeneDx
Classification: Likely benign. Last evaluated: 2018-04-20. Review status: criteria provided, single submitter. Criteria: GeneDx Variant Classification (06012015). Collection method: clinical testing. Allele origin: germline. Affected: yes.
Comment: This variant is considered likely benign or benign based on one or more of the following criteria: it is a conservative change, it occurs at a poorly conserved position in the protein, it is predicted to be benign by multiple in silico algorithms, and/or has population frequency not consistent with disease.